The following is an entry in ClinVar:

ClinVar aggregate classification (germline): Pathogenic (1 of 4 stars; one submission).

Conditions:
Werner syndrome (WRN). Identifiers: Orphanet 902, MedGen C0043119, MONDO:0010196, OMIM 277700.

Submission:

Labcorp Genetics (formerly Invitae), Labcorp
Classification: Pathogenic for Werner syndrome. Last evaluated: 2021-07-08. Review status: criteria provided, single submitter. Criteria: Invitae Variant Classification Sherloc (09022015). Collection method: clinical testing. Allele origin: germline.
Comment: For these reasons, this variant has been classified as Pathogenic. This premature translational stop signal has been observed in individual(s) with Werner syndrome (PMID: 16673358). This variant is not present in population databases (ExAC no frequency). This sequence change creates a premature translational stop signal (p.Glu488*) in the WRN gene. It is expected to result in an absent or disrupted protein product. Loss-of-function variants in WRN are known to be pathogenic (PMID: 16673358).

Literature cited by the submitters: PubMed 16673358.

NM_000553.6(WRN):c.1462G>T (p.Glu488Ter)

Gene: WRN (WRN RecQ like helicase; plus strand). Cytogenetic location: 8p12.
Variant type: single nucleotide variant.
Coding change: c.1462G>T on transcript NM_000553.6 (MANE Select); coding-DNA position 1462, G replaced by T.
Protein change: p.Glu488Ter; replaces glutamic acid 488 with a stop codon.
Molecular consequence: nonsense.
Genome position (GRCh38, 1-based): chr8:31,087,806, G>T. VCF-style: chr8-31087806-G-T. GRCh37 (hg19) VCF-style: chr8-30945322-G-T.
Other names: short protein forms E488*.
Identifiers: ClinVar variation 1372629 (VCV001372629.6), dbSNP rs2130155645, ClinGen allele CA370924311.